The following is an entry in ClinVar:

ClinVar aggregate classification (germline): Uncertain significance (1 of 4 stars; one submission).

Conditions:
Ataxia-telangiectasia syndrome (AT). Also called: ATAXIA-TELANGIECTASIA, COMPLEMENTATION GROUP A; ATAXIA-TELANGIECTASIA, FRESNO VARIANT; Ataxia-telangiectasia, complementation group D; AT, COMPLEMENTATION GROUP C; Cerebello-oculocutaneous telangiectasia; Immunodeficiency with ataxia telangiectasia. Identifiers: Orphanet 100, MedGen C0004135, MONDO:0008840, OMIM 208900.

Submission:

Labcorp Genetics (formerly Invitae), Labcorp
Classification: Uncertain significance for Ataxia-telangiectasia syndrome. Last evaluated: 2020-10-21. Review status: criteria provided, single submitter. Criteria: Invitae Variant Classification Sherloc (09022015). Collection method: clinical testing. Allele origin: germline.
Comment: In summary, the available evidence is currently insufficient to determine the role of this variant in disease. Therefore, it has been classified as a Variant of Uncertain Significance. Advanced modeling of protein sequence and biophysical properties (such as structural, functional, and spatial information, amino acid conservation, physicochemical variation, residue mobility, and thermodynamic stability) performed at Invitae indicates that this missense variant is not expected to disrupt ATM protein function. This variant has not been reported in the literature in individuals with ATM-related conditions. This variant is not present in population databases (ExAC no frequency). This sequence change replaces lysine with asparagine at codon 1066 of the ATM protein (p.Lys1066Asn). The lysine residue is weakly conserved and there is a moderate physicochemical difference between lysine and asparagine.

NM_000051.4(ATM):c.3198A>T (p.Lys1066Asn)

Gene: ATM (ATM serine/threonine kinase; plus strand). Cytogenetic location: 11q22.3.
Variant type: single nucleotide variant.
Coding change: c.3198A>T on transcript NM_000051.4 (MANE Select); coding-DNA position 3198, A replaced by T.
Protein change: p.Lys1066Asn; replaces lysine 1066 with asparagine.
Molecular consequence: missense variant.
Genome position (GRCh38, 1-based): chr11:108,272,766, A>T. VCF-style: chr11-108272766-A-T. GRCh37 (hg19) VCF-style: chr11-108143493-A-T.
Other names: c.3198A>T, p.Lys1066Asn (NM_001351834.2); short protein forms K1066N.
Identifiers: ClinVar variation 1045430 (VCV001045430.8), dbSNP rs1591609637, ClinGen allele CA382515736.